The following is an entry in ClinVar:

NM_020800.3(IFT80):c.1516+1G>C

Genes: IFT80 (intraflagellar transport 80; minus strand), TRIM59-IFT80 (TRIM59-IFT80 readthrough (NMD candidate); minus strand). Cytogenetic location: 3q25.33.
Variant type: single nucleotide variant.
Coding change: c.1516+1G>C on transcript NM_020800.3 (MANE Select); the canonical splice donor site of the intron after coding-DNA position 1516, G replaced by C.
Molecular consequence: splice donor variant.
Genome position (GRCh38, 1-based): chr3:160,282,477, C>G on the plus strand (G>C on the coding strand, the complement: IFT80 is on the minus strand). VCF-style: chr3-160282477-C-G. GRCh37 (hg19) VCF-style: chr3-160000265-C-G.
Other names: c.1105+1G>C (NM_001190241.2, NM_001190242.2).
Identifiers: ClinVar variation 3689458 (VCV003689458.2).
Genomic context (GRCh38, chr3:160,282,477, plus strand): 5'-TATTACAGCAAATATAAGAAAGTTGACAATTAAAACTTAAAATGTATTAAAATTATTTTA[C>G]CAAGCTTGATAATTTGTTCTTCCTTCCCAAATCGTTTCACAGAAGTGATACAGAGATCTC-3'

ClinVar aggregate classification (germline): Likely pathogenic (1 of 4 stars; one submission).

Conditions:
Jeune thoracic dystrophy. Also called: Jeune syndrome; Infantile thoracic dystrophy; Thoracic pelvic phalangeal dystrophy; Jeune's syndrome; Chondroectodermal dysplasia-like syndrome; Short-rib thoracic dysplasia. Identifiers: Orphanet 474, MedGen C0265275, MONDO:0018770.

Submission:

Labcorp Genetics (formerly Invitae), Labcorp
Classification: Likely pathogenic for Jeune thoracic dystrophy. Last evaluated: 2024-03-20. Review status: criteria provided, single submitter. Criteria: Invitae Variant Classification Sherloc (09022015). Collection method: clinical testing. Allele origin: germline.
Comment: This sequence change affects a donor splice site in intron 14 of the IFT80 gene. It is expected to disrupt RNA splicing. Variants that disrupt the donor or acceptor splice site typically lead to a loss of protein function (PMID: 16199547), and loss-of-function variants in IFT80 are known to be pathogenic (PMID: 21227999, 23339108, 29068549). This variant is not present in population databases (gnomAD no frequency). This variant has not been reported in the literature in individuals affected with IFT80-related conditions. Algorithms developed to predict the effect of sequence changes on RNA splicing suggest that this variant may disrupt the consensus splice site. In summary, the currently available evidence indicates that the variant is pathogenic, but additional data are needed to prove that conclusively. Therefore, this variant has been classified as Likely Pathogenic.

Literature cited by the submitters: PubMed 16199547; PubMed 21227999; PubMed 23339108; PubMed 29068549.